The following is an entry in ClinVar:

NM_002335.4(LRP5):c.803G>C (p.Gly268Ala)

Gene: LRP5 (LDL receptor related protein 5; plus strand). Cytogenetic location: 11q13.2.
Variant type: single nucleotide variant.
Coding change: c.803G>C on transcript NM_002335.4 (MANE Select); coding-DNA position 803, G replaced by C.
Protein change: p.Gly268Ala; replaces glycine 268 with alanine.
Molecular consequence: missense variant. On other transcripts: 5 prime UTR variant (1).
Genome position (GRCh38, 1-based): chr11:68,363,863, G>C. VCF-style: chr11-68363863-G-C. GRCh37 (hg19) VCF-style: chr11-68131331-G-C.
Other names: c.-963G>C (NM_001291902.2); c.803G>C (NM_002335.3); short protein forms G268A.
Identifiers: ClinVar variation 1002670 (VCV001002670.8), dbSNP rs779893871, ClinGen allele CA6149114.

ClinVar aggregate classification (germline): Uncertain significance. Review status: criteria provided, multiple submitters, no conflicts (2 of 4 stars). 3 submissions from 3 submitters: Uncertain significance (3). Last evaluated 2025-04-30.

Conditions:
LRP5-related disorder. Also called: LRP5-related condition.
Osteoporosis with pseudoglioma (OPPG). Also called: osteoporosis-pseudoglioma syndrome. Identifiers: Orphanet 2788, MedGen C0432252, MONDO:0009820, OMIM 259770.
Polycystic liver disease 4 with or without kidney cysts. Identifiers: MedGen C4693479, MONDO:0044327, OMIM 617875.
Autosomal dominant osteopetrosis 1 (OPTA1). Also called: OSTEOPETROSIS, AUTOSOMAL DOMINANT, TYPE I. Identifiers: Orphanet 2783, MedGen C1843330, MONDO:0011877, OMIM 607634.
Exudative vitreoretinopathy 4 (EVR4). Identifiers: Orphanet 891, MedGen C1866176, MONDO:0011151, OMIM 601813.
Worth disease. Also called: Autosomal dominant osteosclerosis, Worth type; ENDOSTEAL HYPEROSTOSIS, AUTOSOMAL DOMINANT; OSTEOSCLEROSIS, AUTOSOMAL DOMINANT. Identifiers: Orphanet 2790, MedGen C0432273, MONDO:0007764, OMIM 144750.
Bone mineral density quantitative trait locus 1 (BMND1). Identifiers: MedGen C1866079, OMIM 601884.

Allele frequency attached by ClinVar (database versions not stated): ExAC 0.00001; gnomAD 0.00004; TOPMed 0.00004.

Submissions (3):

PreventionGenetics, part of Exact Sciences
Classification: Uncertain significance for LRP5-related condition. Last evaluated: 2025-04-30. Review status: criteria provided, single submitter. Criteria: ACMG Guidelines, 2015. Collection method: clinical testing. Allele origin: germline.
Comment: The LRP5 c.803G>C variant is predicted to result in the amino acid substitution p.Gly268Ala. To our knowledge, this variant has not been reported in the literature. This variant is present in 0.0062% of alleles in individuals of European (Non-Finnish) descent in gnomAD. At this time, the clinical significance of this variant is uncertain due to the absence of conclusive functional and genetic evidence.

Labcorp Genetics (formerly Invitae), Labcorp
Classification: Uncertain significance. Last evaluated: 2024-06-26. Review status: criteria provided, single submitter. Criteria: Invitae Variant Classification Sherloc (09022015). Collection method: clinical testing. Allele origin: germline.
Comment: This sequence change replaces glycine, which is neutral and non-polar, with alanine, which is neutral and non-polar, at codon 268 of the LRP5 protein (p.Gly268Ala). This variant is present in population databases (rs779893871, gnomAD 0.006%). This variant has not been reported in the literature in individuals affected with LRP5-related conditions. ClinVar contains an entry for this variant (Variation ID: 1002670). Advanced modeling of protein sequence and biophysical properties (such as structural, functional, and spatial information, amino acid conservation, physicochemical variation, residue mobility, and thermodynamic stability) has been performed at Invitae for this missense variant, however the output from this modeling did not meet the statistical confidence thresholds required to predict the impact of this variant on LRP5 protein function. In summary, the available evidence is currently insufficient to determine the role of this variant in disease. Therefore, it has been classified as a Variant of Uncertain Significance.

Fulgent Genetics
Classification: Uncertain significance for Worth disease; Osteoporosis with pseudoglioma; Exudative vitreoretinopathy 4; Bone mineral density quantitative trait locus 1; Autosomal dominant osteopetrosis 1; Polycystic liver disease 4 with or without kidney cysts. Last evaluated: 2024-02-26. Review status: criteria provided, single submitter. Criteria: ACMG Guidelines, 2015. Collection method: clinical testing. Allele origin: germline.